The following is an entry in ClinVar:

NM_001031836.3(KCNU1):c.1576C>A (p.Leu526Met)

Gene: KCNU1 (potassium calcium-activated channel subfamily U member 1; plus strand). Cytogenetic location: 8p11.23.
Variant type: single nucleotide variant.
Coding change: c.1576C>A on transcript NM_001031836.3 (MANE Select); coding-DNA position 1576, C replaced by A.
Protein change: p.Leu526Met; replaces leucine 526 with methionine.
Molecular consequence: missense variant. On other transcripts: non-coding transcript variant (1).
Genome position (GRCh38, 1-based): chr8:36,840,520, C>A. VCF-style: chr8-36840520-C-A. GRCh37 (hg19) VCF-style: chr8-36698038-C-A.
Other names: short protein forms L526M.
Identifiers: ClinVar variation 4090797 (VCV004090797.2).
Genomic context (GRCh38, chr8:36,840,520, plus strand): 5'-CAGGTTATGCCTAAACAGACCTGGAAGAAACACTTCTTGAATAGCATGAAAAACAAAATT[C>A]TGACCCAACGTCTCTCTGATGACTTTGCTGGAATGAGCTTTCCTGAAGTTGCCCGGTAAG-3'
Protein context (NP_001027006.2, residues 516-536): HFLNSMKNKI[Leu526Met]TQRLSDDFAG

ClinVar aggregate classification (germline): Conflicting classifications of pathogenicity. Review status: criteria provided, conflicting classifications (1 of 4 stars). 2 submissions from 2 submitters: Uncertain significance (1); Likely benign (1). Last evaluated 2026-01-06.

Conditions:
KCNU1-related condition.

gnomAD v4.1: 275 of 1,613,100 alleles (0.017%); highest among the groups gnomAD compares: African/African-American, 0.34%; 2 homozygotes.

Submissions (2):

PreventionGenetics, part of Exact Sciences
Classification: Likely benign for KCNU1-related condition. Last evaluated: 2026-01-06. Review status: criteria provided, single submitter. Criteria: ACMG Guidelines, 2015. Collection method: clinical testing. Allele origin: germline.
Comment: This variant is classified as likely benign based on ACMG/AMP sequence variant interpretation guidelines (Richards et al. 2015 PMID: 25741868, with internal and published modifications).

Ambry Genetics
Classification: Uncertain significance. Last evaluated: 2025-08-19. Review status: criteria provided, single submitter. Criteria: Ambry Variant Classification Scheme 2023. Collection method: clinical testing. Allele origin: germline.